The following is an entry in ClinVar:

ClinVar aggregate classification (germline): Benign (1 of 4 stars; one submission).

Allele frequency attached by ClinVar (database versions not stated): 1000 Genomes Project 30x 0.46346; 1000 Genomes Project 0.46885; TOPMed 0.49729; gnomAD 0.49817 and 0.50112.
gnomAD v4.1: 76,313 of 151,818 alleles (50%); highest among the groups gnomAD compares: East Asian, 68%; 21,333 homozygotes.

Submission:

GeneDx
Classification: Benign. Last evaluated: 2020-02-18. Review status: criteria provided, single submitter. Criteria: GeneDx Variant Classification Process June 2021. Collection method: clinical testing. Allele origin: germline. Affected: yes.
Comment: This variant is associated with the following publications: (PMID: 29733381)

NM_001455.4(FOXO3):c.621+25486G>T

Gene: FOXO3 (forkhead box O3; plus strand). Cytogenetic location: 6q21.
Variant type: single nucleotide variant.
Coding change: c.621+25486G>T on transcript NM_001455.4 (MANE Select); 25486 bases into the intron after coding-DNA position 621, G replaced by T.
Molecular consequence: intron variant.
Genome position (GRCh38, 1-based): chr6:108,587,315, G>T. VCF-style: chr6-108587315-G-T. GRCh37 (hg19) VCF-style: chr6-108908518-G-T.
Other names: c.621+25486G>T (NM_201559.3).
Identifiers: ClinVar variation 1269978 (VCV001269978.1), dbSNP rs2802292, ClinGen allele CA12203829.
Genomic context (GRCh38, chr6:108,587,315, plus strand): 5'-TTTCCTAGTTTTCTCACCTCTACCAGGGTCTCTGTTGCTCACAAGAGCTCAGGGCTGGGA[G>T]AAGCCTCTGTGTGACAGATGAAGGGGTCCTGCTGCTCTCTAGGGAAGAATCGGTCCCAAA-3'